The following is an entry in ClinVar:

ClinVar aggregate classification (germline): Pathogenic (1 of 4 stars; one submission).

Submission:

Athena Diagnostics
Classification: Pathogenic. Last evaluated: 2020-09-01. Review status: criteria provided, single submitter. Criteria: Athena Diagnostics criteria. Collection method: clinical testing. Allele origin: unknown.
Comment: This variant is expected to result in the loss of a functional protein. This variant has not been reported in large, multi-ethnic general populations. This variant has been identified in at least one individual with clinical features associated with this gene.

NM_000088.4(COL1A1):c.549del (p.Ser184fs)

Gene: COL1A1 (collagen type I alpha 1 chain; minus strand). Cytogenetic location: 17q21.33.
Variant type: Deletion.
Coding change: c.549del on transcript NM_000088.4 (MANE Select); coding-DNA position 549, one base deleted (C; older notation c.549delC).
Protein change: p.Ser184fs; shifts the reading frame from serine 184.
Molecular consequence: frameshift variant.
Genome position (GRCh38, 1-based): chr17:50,198,200, G deleted on the plus strand (C on the coding strand, the reverse complement: COL1A1 is on the minus strand); the first of 3 consecutive G bases (chr17:50,198,200-50,198,202); deleting any one gives the same sequence. VCF-style (leftmost placement, unchanged base first): chr17-50198199-AG-A. GRCh37 (hg19) VCF-style: chr17-48275560-AG-A.
Other names: short protein forms S184fs.
Identifiers: ClinVar variation 995280 (VCV000995280.2), dbSNP rs1907769451, ClinGen allele CA1139665711.
Genomic context (GRCh38, chr17:50,198,199, plus strand): 5'-TGAAGACGTCCTGGATACTCACAGGTGCACCAGGGGGGCCAGGGAGACCACGAGGACCAG[AG>A]GGACCCTATAGAGGGAGAAGAAAGGGGGGTCATGGTGATCCCTCTGTAGGAAAGCATGTG-3'